The following is an entry in ClinVar:

NM_172364.5(CACNA2D4):c.898G>A (p.Gly300Ser)

Gene: CACNA2D4 (calcium voltage-gated channel auxiliary subunit alpha2delta 4; minus strand). Cytogenetic location: 12p13.33.
Variant type: single nucleotide variant.
Coding change: c.898G>A on transcript NM_172364.5 (MANE Select); coding-DNA position 898, G replaced by A.
Protein change: p.Gly300Ser; replaces glycine 300 with serine.
Molecular consequence: missense variant.
Genome position (GRCh38, 1-based): chr12:1,886,318, C>T on the plus strand (G>A on the coding strand, the complement: CACNA2D4 is on the minus strand). VCF-style: chr12-1886318-C-T. GRCh37 (hg19) VCF-style: chr12-1995484-C-T.
Other names: short protein forms G300S.
Identifiers: ClinVar variation 955947 (VCV000955947.9), dbSNP rs753108402, ClinGen allele CA6387365.

ClinVar aggregate classification (germline): Uncertain significance (1 of 4 stars; one submission).

Allele frequency attached by ClinVar (database versions not stated): gnomAD exomes 0.00002 and 0.00005; gnomAD 0.00003 and 0.00004; ExAC 0.00004; TOPMed 0.00005.
gnomAD v4.1: 27 of 1,613,730 alleles (0.0017%); highest among the groups gnomAD compares: Middle Eastern, 0.033%; no homozygotes.

Submission:

Labcorp Genetics (formerly Invitae), Labcorp
Classification: Uncertain significance. Last evaluated: 2024-10-24. Review status: criteria provided, single submitter. Criteria: Invitae Variant Classification Sherloc (09022015). Collection method: clinical testing. Allele origin: germline.
Comment: This sequence change replaces glycine, which is neutral and non-polar, with serine, which is neutral and polar, at codon 300 of the CACNA2D4 protein (p.Gly300Ser). This variant is present in population databases (rs753108402, gnomAD 0.05%). This variant has not been reported in the literature in individuals affected with CACNA2D4-related conditions. ClinVar contains an entry for this variant (Variation ID: 955947). An algorithm developed to predict the effect of missense changes on protein structure and function (PolyPhen-2) suggests that this variant is likely to be disruptive. In summary, the available evidence is currently insufficient to determine the role of this variant in disease. Therefore, it has been classified as a Variant of Uncertain Significance.